The following is an entry in ClinVar:

NM_001320.7(CSNK2B):c.291+5G>A

Gene: CSNK2B (casein kinase 2 beta; plus strand). Cytogenetic location: 6p21.33.
Variant type: single nucleotide variant.
Coding change: c.291+5G>A on transcript NM_001320.7 (MANE Select); 5 bases into the intron after coding-DNA position 291, G replaced by A.
Molecular consequence: intron variant.
Genome position (GRCh38, 1-based): chr6:31,668,659, G>A. VCF-style: chr6-31668659-G-A. GRCh37 (hg19) VCF-style: chr6-31636436-G-A.
Other names: NC_000006.11:g.31636436G>A; c.291+5G>A (NM_001282385.2).
Identifiers: ClinVar variation 4082341 (VCV004082341.2).
Genomic context (GRCh38, chr6:31,668,659, plus strand): 5'-TTTATGGATTGATCCACGCCCGCTACATCCTTACCAACCGTGGCATCGCCCAGATGGTGA[G>A]GCCTCTCTGCTCCTACCTGCCTCCTTCTGAGCAGTAAGAGACACAGGTTCCTGCAGCAAG-3'

ClinVar aggregate classification (germline): Likely pathogenic (1 of 4 stars; one submission).

Conditions:
Poirier-Bienvenu neurodevelopmental syndrome (POBINDS). Identifiers: Orphanet 689397, MedGen C5231482, MONDO:0032889, OMIM 618732.

Submissions (2):

Institute of Human Genetics, University of Leipzig Medical Center
Classification: Likely pathogenic for Poirier-Bienvenu neurodevelopmental syndrome. Last evaluated: 2025-07-18. Review status: criteria provided, single submitter. Criteria: ACMG Guidelines, 2015. Collection method: clinical testing. Allele origin: de novo. Inheritance: Autosomal dominant inheritance. Affected: yes.
Comment: Criteria applied: PS1_MOD, PM2, PP3, PS2_MOD

Dr. Peter K. Rogan Lab, Western University
No classification provided (evidence only). Condition: Ovarian serous cystadenocarcinoma. Review status: no classification provided. Collection method: in vitro. Allele origin: not applicable. Functional consequence: retained intron. Not counted in ClinVar's aggregate classification.